The following is an entry in ClinVar:

ClinVar aggregate classification (germline): Uncertain significance (1 of 4 stars; one submission).

Conditions:
Kabuki syndrome. Also called: NIIKAWA-KUROKI SYNDROME; Kabuki make-up syndrome. Identifiers: Orphanet 2322, MedGen C0796004, MONDO:0016512.

gnomAD v4.1: 3 of 1,613,988 alleles (0.00019%); highest among the groups gnomAD compares: South Asian, 0.0022%; 1 homozygote.

Submission:

Labcorp Genetics (formerly Invitae), Labcorp
Classification: Uncertain significance for Kabuki syndrome. Last evaluated: 2024-09-14. Review status: criteria provided, single submitter. Criteria: Invitae Variant Classification Sherloc (09022015). Collection method: clinical testing. Allele origin: germline.
Comment: This sequence change replaces histidine, which is basic and polar, with tyrosine, which is neutral and polar, at codon 5036 of the KMT2D protein (p.His5036Tyr). This variant is not present in population databases (gnomAD no frequency). This variant has not been reported in the literature in individuals affected with KMT2D-related conditions. Invitae Evidence Modeling of protein sequence and biophysical properties (such as structural, functional, and spatial information, amino acid conservation, physicochemical variation, residue mobility, and thermodynamic stability) indicates that this missense variant is expected to disrupt KMT2D protein function with a positive predictive value of 95%. In summary, the available evidence is currently insufficient to determine the role of this variant in disease. Therefore, it has been classified as a Variant of Uncertain Significance.

NM_003482.4(KMT2D):c.15106C>T (p.His5036Tyr)

Gene: KMT2D (lysine methyltransferase 2D; minus strand). Cytogenetic location: 12q13.12.
Variant type: single nucleotide variant.
Coding change: c.15106C>T on transcript NM_003482.4 (MANE Select); coding-DNA position 15106, C replaced by T.
Protein change: p.His5036Tyr; replaces histidine 5036 with tyrosine.
Molecular consequence: missense variant.
Genome position (GRCh38, 1-based): chr12:49,026,860, G>A on the plus strand (C>T on the coding strand, the complement: KMT2D is on the minus strand). VCF-style: chr12-49026860-G-A. GRCh37 (hg19) VCF-style: chr12-49420643-G-A.
Other names: short protein forms H5036Y.
Identifiers: ClinVar variation 3716181 (VCV003716181.2).
Genomic context (GRCh38, chr12:49,026,860, plus strand): 5'-GGTCCAGGTCCAGGTTCAGCAGACGGGCAGGCCCATCAGTGGCCCCGTCACCCTCCTCAT[G>A]ACAGAAACAGCAGCGACGCATGTCTCGCGGTACCTTGTCAGGTCGCAAGGCTGTGCCAAG-3'
Protein context (NP_003473.3, residues 5026-5046): PRDMRRCCFC[His5036Tyr]EEGDGATDGP